The following is an entry in ClinVar:

ClinVar aggregate classification (germline): Uncertain significance (1 of 4 stars; one submission).

Conditions:
Autosomal recessive limb-girdle muscular dystrophy type 2J (LGMDR10). Also called: Limb-girdle muscular dystrophy, type 2J; MUSCULAR DYSTROPHY, LIMB-GIRDLE, AUTOSOMAL RECESSIVE 10. Identifiers: Orphanet 140922, MedGen C1837342, MONDO:0012127, OMIM 608807.
Dilated cardiomyopathy 1G (CMD1G). Identifiers: Orphanet 154, MedGen C1858763, MONDO:0011400, OMIM 604145.

gnomAD v4.1: 5 of 1,613,940 alleles (0.00031%); highest among the groups gnomAD compares: South Asian, 0.0022%; no homozygotes.

Submission:

Labcorp Genetics (formerly Invitae), Labcorp
Classification: Uncertain significance for Dilated cardiomyopathy 1G; Autosomal recessive limb-girdle muscular dystrophy type 2J. Last evaluated: 2024-10-01. Review status: criteria provided, single submitter. Criteria: Invitae Variant Classification Sherloc (09022015). Collection method: clinical testing. Allele origin: germline.
Comment: This sequence change replaces threonine, which is neutral and polar, with alanine, which is neutral and non-polar, at codon 34552 of the TTN protein (p.Thr34552Ala). This variant is present in population databases (rs765004075, gnomAD 0.006%). This variant has not been reported in the literature in individuals affected with TTN-related conditions. An algorithm developed to predict the effect of missense changes on protein structure and function outputs the following: PolyPhen-2: "Not Available". The alanine amino acid residue is found in multiple mammalian species, which suggests that this missense change does not adversely affect protein function. This variant is located in the M band of TTN (PMID: 25589632). Non-truncating variants in this region may be relevant for neuromuscular disorders, but have not been definitively shown to cause cardiomyopathy (PMID: 23975875). In summary, the available evidence is currently insufficient to determine the role of this variant in disease. Therefore, it has been classified as a Variant of Uncertain Significance.

Literature cited by the submitters: PubMed 25589632; PubMed 23975875.

NM_001267550.2(TTN):c.103654A>G (p.Thr34552Ala)

Genes: TTN-AS1 (TTN antisense RNA 1; plus strand), TTN (titin; minus strand). Cytogenetic location: 2q31.2.
Variant type: single nucleotide variant.
Coding change: c.103654A>G on transcript NM_001267550.2 (MANE Select); coding-DNA position 103654, A replaced by G.
Protein change: p.Thr34552Ala; replaces threonine 34552 with alanine.
Molecular consequence: missense variant.
Genome position (GRCh38, 1-based): chr2:178,532,961, T>C on the plus strand (A>G on the coding strand, the complement: TTN is on the minus strand). VCF-style: chr2-178532961-T-C. GRCh37 (hg19) VCF-style: chr2-179397688-T-C.
Other names: c.98731A>G, p.Thr32911Ala (NM_001256850.1); c.76459A>G, p.Thr25487Ala (NM_003319.4); c.95950A>G, p.Thr31984Ala (NM_133378.4); c.76834A>G, p.Thr25612Ala (NM_133432.3); c.77035A>G, p.Thr25679Ala (NM_133437.4); short protein forms T25487A, T25612A, T25679A, T31984A, T32911A, T34552A.
Identifiers: ClinVar variation 3761137 (VCV003761137.2).